The following is an entry in ClinVar:

NM_001287.6(CLCN7):c.676-12C>A

Gene: CLCN7 (chloride voltage-gated channel 7; minus strand). Cytogenetic location: 16p13.3.
Variant type: single nucleotide variant.
Coding change: c.676-12C>A on transcript NM_001287.6 (MANE Select); 12 bases into the intron before coding-DNA position 676, C replaced by A.
Molecular consequence: intron variant.
Genome position (GRCh38, 1-based): chr16:1,457,768, G>T on the plus strand (C>A on the coding strand, the complement: CLCN7 is on the minus strand). VCF-style: chr16-1457768-G-T. GRCh37 (hg19) VCF-style: chr16-1507769-G-T.
Other names: c.604-12C>A (NM_001114331.3).
Identifiers: ClinVar variation 2637715 (VCV002637715.1), dbSNP rs777567412, ClinGen allele CA2695197383.

ClinVar aggregate classification (germline): Likely benign (1 of 4 stars; one submission).

Submission:

Women's Health and Genetics/Laboratory Corporation of America, LabCorp
Classification: Likely benign. Last evaluated: 2023-10-13. Review status: criteria provided, single submitter. Criteria: LabCorp Variant Classification Summary - May 2015. Collection method: clinical testing. Allele origin: germline.
Comment: Variant summary: CLCN7 c.676-12C>A alters a non-conserved nucleotide located at a position not widely known to affect splicing. Consensus agreement among computation tools predict no significant impact on normal splicing. However, these predictions have yet to be confirmed by functional studies. The variant was absent in 250534 control chromosomes. The available data on variant occurrences in the general population are insufficient to allow any conclusion about variant significance. To our knowledge, no occurrence of c.676-12C>A in individuals affected with Hypopigmentation, Organomegaly, And Delayed Myelination And Development and no experimental evidence demonstrating its impact on protein function have been reported. No submitters have cited clinical-significance assessments for this variant to ClinVar after 2014. Based on the evidence outlined above, the variant was classified as likely benign.